The following is an entry in ClinVar:

ClinVar aggregate classification (germline): Uncertain significance (1 of 4 stars; one submission).

Submission:

Labcorp Genetics (formerly Invitae), Labcorp
Classification: Uncertain significance. Last evaluated: 2024-02-06. Review status: criteria provided, single submitter. Criteria: Invitae Variant Classification Sherloc (09022015). Collection method: clinical testing. Allele origin: germline.
Comment: This sequence change replaces glycine, which is neutral and non-polar, with arginine, which is basic and polar, at codon 811 of the COL11A1 protein (p.Gly811Arg). This variant is not present in population databases (gnomAD no frequency). This variant has not been reported in the literature in individuals affected with COL11A1-related conditions. Advanced modeling of protein sequence and biophysical properties (such as structural, functional, and spatial information, amino acid conservation, physicochemical variation, residue mobility, and thermodynamic stability) performed at Invitae indicates that this missense variant is expected to disrupt COL11A1 protein function with a positive predictive value of 80%. In summary, the available evidence is currently insufficient to determine the role of this variant in disease. Therefore, it has been classified as a Variant of Uncertain Significance.

NM_001854.4(COL11A1):c.2431G>C (p.Gly811Arg)

Gene: COL11A1 (collagen type XI alpha 1 chain; minus strand). Cytogenetic location: 1p21.1.
Variant type: single nucleotide variant.
Coding change: c.2431G>C on transcript NM_001854.4 (MANE Select); coding-DNA position 2431, G replaced by C.
Protein change: p.Gly811Arg; replaces glycine 811 with arginine.
Molecular consequence: missense variant. On other transcripts: non-coding transcript variant (1).
Genome position (GRCh38, 1-based): chr1:102,987,704, C>G on the plus strand (G>C on the coding strand, the complement: COL11A1 is on the minus strand). VCF-style: chr1-102987704-C-G. GRCh37 (hg19) VCF-style: chr1-103453260-C-G.
Other names: c.2314G>C, p.Gly772Arg (NM_001190709.2); c.2467G>C, p.Gly823Arg (NM_080629.3); c.2083G>C, p.Gly695Arg (NM_080630.4); short protein forms G695R, G772R, G811R, G823R.
Identifiers: ClinVar variation 3639341 (VCV003639341.2).
Genomic context (GRCh38, chr1:102,987,704, plus strand): 5'-CTTGACCTGAAGGACCTGGGTCTCCAGTTGGGCCTGCTCGACCTTTGGGTCCTTCAGGGC[C>G]ATCTTCCCCTCTTGGGCCAATTTGACCAACTTCTCCCTGAGGCACAGAATAACAACATTC-3'
Protein context (NP_001845.3, residues 801-821): VGQIGPRGED[Gly811Arg]PEGPKGRAGP